The following is an entry in ClinVar:

NM_004260.4(RECQL4):c.1415C>A (p.Ala472Asp)

Gene: RECQL4 (RecQ like helicase 4; minus strand). Cytogenetic location: 8q24.3.
Variant type: single nucleotide variant.
Coding change: c.1415C>A on transcript NM_004260.4 (MANE Select); coding-DNA position 1415, C replaced by A.
Protein change: p.Ala472Asp; replaces alanine 472 with aspartic acid.
Molecular consequence: missense variant.
Genome position (GRCh38, 1-based): chr8:144,515,218, G>T on the plus strand (C>A on the coding strand, the complement: RECQL4 is on the minus strand). VCF-style: chr8-144515218-G-T. GRCh37 (hg19) VCF-style: chr8-145740602-G-T.
Other names: c.1415C>A (NM_004260.3); short protein forms A472D.
Identifiers: ClinVar variation 1014218 (VCV001014218.4), dbSNP rs587778653, ClinGen allele CA372684956.

ClinVar aggregate classification (germline): Uncertain significance. Review status: criteria provided, multiple submitters, no conflicts (2 of 4 stars). 2 submissions from 2 submitters: Uncertain significance (2). Last evaluated 2025-10-10.

Conditions:
Baller-Gerold syndrome (BGS). Also called: CRANIOSYNOSTOSIS WITH RADIAL DEFECTS. Identifiers: Orphanet 1225, MedGen C0265308, MONDO:0009039, OMIM 218600.
Inborn genetic diseases. Identifiers: MedGen C0950123, MeSH D030342.

gnomAD v4.1: 3 of 1,578,402 alleles (0.00019%); highest among the groups gnomAD compares: Non-Finnish European, 0.00026%; no homozygotes.

Submissions (2):

Ambry Genetics
Classification: Uncertain significance for Inborn genetic diseases. Last evaluated: 2025-10-10. Review status: criteria provided, single submitter. Criteria: Ambry Variant Classification Scheme 2023. Collection method: clinical testing. Allele origin: germline.
Comment: The p.A472D variant (also known as c.1415C>A), located in coding exon 8 of the RECQL4 gene, results from a C to A substitution at nucleotide position 1415. The alanine at codon 472 is replaced by aspartic acid, an amino acid with dissimilar properties. This amino acid position is conserved. In addition, this alteration is predicted to be deleterious by in silico analysis. Based on the available evidence, the clinical significance of this variant remains unclear.

Labcorp Genetics (formerly Invitae), Labcorp
Classification: Uncertain significance for Baller-Gerold syndrome. Last evaluated: 2025-08-07. Review status: criteria provided, single submitter. Criteria: Invitae Variant Classification Sherloc (09022015). Collection method: clinical testing. Allele origin: germline.
Comment: This sequence change replaces alanine, which is neutral and non-polar, with aspartic acid, which is acidic and polar, at codon 472 of the RECQL4 protein (p.Ala472Asp). This variant is not present in population databases (gnomAD no frequency). This variant has not been reported in the literature in individuals affected with RECQL4-related conditions. ClinVar contains an entry for this variant (Variation ID: 1014218). Invitae Evidence Modeling of protein sequence and biophysical properties (such as structural, functional, and spatial information, amino acid conservation, physicochemical variation, residue mobility, and thermodynamic stability) indicates that this missense variant is expected to disrupt RECQL4 protein function with a positive predictive value of 80%. In summary, the available evidence is currently insufficient to determine the role of this variant in disease. Therefore, it has been classified as a Variant of Uncertain Significance.